The following is an entry in ClinVar:

NM_001127671.2(LIFR):c.1418del (p.Ser473fs)

Gene: LIFR (LIF receptor subunit alpha; minus strand). Cytogenetic location: 5p13.1.
Variant type: Deletion.
Coding change: c.1418del on transcript NM_001127671.2 (MANE Select); coding-DNA position 1418, one base deleted (C; older notation c.1418delC).
Protein change: p.Ser473fs; shifts the reading frame from serine 473.
Molecular consequence: frameshift variant.
Genome position (GRCh38, 1-based): chr5:38,503,995, G deleted on the plus strand (C on the coding strand, the reverse complement: LIFR is on the minus strand). VCF-style (leftmost placement, unchanged base first): chr5-38503994-AG-A. GRCh37 (hg19) VCF-style: chr5-38504096-AG-A.
Other names: c.1418del, p.Ser473fs (NM_001364297.2, NM_001364298.2, NM_002310.6); short protein forms S473fs.
Identifiers: ClinVar variation 1072323 (VCV001072323.7), dbSNP rs2112462051, ClinGen allele CA2499217858.

ClinVar aggregate classification (germline): Pathogenic (1 of 4 stars; one submission).

Submission:

Labcorp Genetics (formerly Invitae), Labcorp
Classification: Pathogenic. Last evaluated: 2020-06-25. Review status: criteria provided, single submitter. Criteria: Invitae Variant Classification Sherloc (09022015). Collection method: clinical testing. Allele origin: germline.
Comment: This sequence change creates a premature translational stop signal (p.Ser473Leufs*15) in the LIFR gene. It is expected to result in an absent or disrupted protein product. For these reasons, this variant has been classified as Pathogenic. Loss-of-function variants in LIFR are known to be pathogenic (PMID: 14740318). This variant has not been reported in the literature in individuals with LIFR-related conditions. This variant is not present in population databases (ExAC no frequency).

Literature cited by the submitters: PubMed 14740318.